The following is an entry in ClinVar:

ClinVar aggregate classification (germline): Likely benign (0 of 4 stars; one submission).

Conditions:
IL23R-related disorder. Also called: IL23R-related condition.

Submission:

PreventionGenetics, part of Exact Sciences
Classification: Likely benign for IL23R-related condition. Last evaluated: 2023-11-22. Review status: no assertion criteria provided. Collection method: clinical testing. Allele origin: germline.
Comment: This variant is classified as likely benign based on ACMG/AMP sequence variant interpretation guidelines (Richards et al. 2015 PMID: 25741868, with internal and published modifications).

NM_144701.3(IL23R):c.653-6_653-5dup

Gene: IL23R (interleukin 23 receptor; plus strand). Cytogenetic location: 1p31.3.
Variant type: Duplication.
Coding change: c.653-6_653-5dup on transcript NM_144701.3 (MANE Select); 6 bases into the intron before coding-DNA position 653 through 5 bases into the intron before coding-DNA position 653, 2 bases duplicated (TT; older notation c.653-6_653-5dupTT).
Molecular consequence: intron variant.
Genome position (GRCh38, 1-based): chr1:67,206,904-67,206,905, TT duplicated; duplicating any 2 consecutive bases within chr1:67,206,885-67,206,905 gives the same sequence; the c. name uses the placement nearest the transcript's 3' end. VCF-style (leftmost placement, unchanged base first): chr1-67206884-C-CTT. GRCh37 (hg19) VCF-style: chr1-67672567-C-CTT.
Identifiers: ClinVar variation 3056838 (VCV003056838.2), dbSNP rs557919248, ClinGen allele CA899780.